The following is an entry in ClinVar:

ClinVar aggregate classification (germline): Uncertain significance (1 of 4 stars; one submission).

Allele frequency attached by ClinVar (database versions not stated): gnomAD 0.00001; TOPMed 0.00001; ExAC 0.00009; 1000 Genomes Project 30x 0.00031.
gnomAD v4.1: 41 of 1,596,576 alleles (0.0026%); highest among the groups gnomAD compares: South Asian, 0.045%; no homozygotes.

Submission:

Labcorp Genetics (formerly Invitae), Labcorp
Classification: Uncertain significance. Last evaluated: 2023-08-14. Review status: criteria provided, single submitter. Criteria: Invitae Variant Classification Sherloc (09022015). Collection method: clinical testing. Allele origin: germline.
Comment: In summary, the available evidence is currently insufficient to determine the role of this variant in disease. Therefore, it has been classified as a Variant of Uncertain Significance. An algorithm developed to predict the effect of missense changes on protein structure and function (PolyPhen-2) suggests that this variant is likely to be disruptive. This sequence change replaces glutamic acid, which is acidic and polar, with glutamine, which is neutral and polar, at codon 1987 of the KMT2A protein (p.Glu1987Gln). This variant is present in population databases (rs781805661, gnomAD 0.05%), and has an allele count higher than expected for a pathogenic variant. This variant has not been reported in the literature in individuals affected with KMT2A-related conditions. ClinVar contains an entry for this variant (Variation ID: 1962173).

NM_001197104.2(KMT2A):c.5959G>C (p.Glu1987Gln)

Gene: KMT2A (lysine methyltransferase 2A; plus strand). Cytogenetic location: 11q23.3.
Variant type: single nucleotide variant.
Coding change: c.5959G>C on transcript NM_001197104.2 (MANE Select); coding-DNA position 5959, G replaced by C.
Protein change: p.Glu1987Gln; replaces glutamic acid 1987 with glutamine.
Molecular consequence: missense variant.
Genome position (GRCh38, 1-based): chr11:118,498,526, G>C. VCF-style: chr11-118498526-G-C. GRCh37 (hg19) VCF-style: chr11-118369241-G-C.
Other names: c.6049G>C, p.Glu2017Gln (NM_001412597.1); c.5950G>C, p.Glu1984Gln (NM_005933.4); short protein forms E1984Q, E1987Q, E2017Q.
Identifiers: ClinVar variation 1962173 (VCV001962173.5), dbSNP rs781805661, ClinGen allele CA6304136.
Genomic context (GRCh38, chr11:118,498,526, plus strand): 5'-TGTGTCTTTCTGGATGATAAAAAAGTATATTGCCAACGACATCGGGATTTGATCAAAGGC[G>C]AAGTGAGAGAGCTTTAGTTGCTTTAAAAAAAAAAAAAAAGACTTTTTTAGAGCAGTTTTA-3'
Protein context (NP_001184033.1, residues 1977-1997): CQRHRDLIKG[Glu1987Gln]VVPENGFEVF